The following is an entry in ClinVar:

NM_001104.4(ACTN3):c.632G>A (p.Arg211Gln)

Gene: ACTN3 (actinin alpha 3; plus strand). Cytogenetic location: 11q13.2.
Variant type: single nucleotide variant.
Coding change: c.632G>A on transcript NM_001104.4 (MANE Select); coding-DNA position 632, G replaced by A.
Protein change: p.Arg211Gln; replaces arginine 211 with glutamine.
Molecular consequence: missense variant.
Genome position (GRCh38, 1-based): chr11:66,555,204, G>A. VCF-style: chr11-66555204-G-A. GRCh37 (hg19) VCF-style: chr11-66322675-G-A.
Other names: c.761G>A, p.Arg254Gln (NM_001258371.3); short protein forms R211Q, R254Q.
Identifiers: ClinVar variation 3042256 (VCV003042256.2), dbSNP rs200452235, ClinGen allele CA6124389.

ClinVar aggregate classification (germline): Benign (0 of 4 stars; one submission).

Conditions:
ACTN3-related disorder. Also called: ACTN3-related condition.

Allele frequency attached by ClinVar (database versions not stated): ESP Exome Variant Server 0.00054; TOPMed 0.00074; gnomAD 0.00188; gnomAD exomes 0.00244; ExAC 0.00557; 1000 Genomes Project 30x 0.00781; 1000 Genomes Project 0.00799.

Submission:

PreventionGenetics, part of Exact Sciences
Classification: Benign for ACTN3-related condition. Last evaluated: 2019-04-25. Review status: no assertion criteria provided. Collection method: clinical testing. Allele origin: germline.
Comment: This variant is classified as benign based on ACMG/AMP sequence variant interpretation guidelines (Richards et al. 2015 PMID: 25741868, with internal and published modifications).